The following is an entry in ClinVar:

NM_014989.7(RIMS1):c.4798C>T (p.Leu1600Phe)

Gene: RIMS1 (regulating synaptic membrane exocytosis 1; plus strand). Cytogenetic location: 6q13.
Variant type: single nucleotide variant.
Coding change: c.4798C>T on transcript NM_014989.7 (MANE Select); coding-DNA position 4798, C replaced by T.
Protein change: p.Leu1600Phe; replaces leucine 1600 with phenylalanine.
Molecular consequence: missense variant.
Genome position (GRCh38, 1-based): chr6:72,399,032, C>T. VCF-style: chr6-72399032-C-T. GRCh37 (hg19) VCF-style: chr6-73108734-C-T.
Other names: c.2758C>T, p.Leu920Phe (NM_001168407.2); c.2173C>T, p.Leu725Phe (NM_001168408.2, NM_001350430.2); c.2002C>T, p.Leu668Phe (NM_001168409.2); c.2200C>T, p.Leu734Phe (NM_001168410.2); c.379C>T, p.Leu127Phe (NM_001168411.2); c.2719C>T, p.Leu907Phe (NM_001350414.2); c.2815C>T, p.Leu939Phe (NM_001350415.2); c.2764C>T, p.Leu922Phe (NM_001350416.2); and 55 more; short protein forms L698F, L702F, L709F, L724F, L726F, L736F, L831F, L867F.
Identifiers: ClinVar variation 1504589 (VCV001504589.9), dbSNP rs756721052, ClinGen allele CA3886609.
Genomic context (GRCh38, chr6:72,399,032, plus strand): 5'-TATCTTTTGGAAAATGGGGCCTGTATAGCCAAGAAGAAGACAAGAATTGCACGAAAAACC[C>T]TTGATCCTTTGTATCAGCAGTCTCTGGTTTTTGATGAAAGTCCACAGGGTAAAGTTCTTC-3'
Protein context (NP_055804.2, residues 1590-1610): KKKTRIARKT[Leu1600Phe]DPLYQQSLVF

ClinVar aggregate classification (germline): Uncertain significance. Review status: criteria provided, multiple submitters, no conflicts (2 of 4 stars). 2 submissions from 2 submitters: Uncertain significance (2). Last evaluated 2025-06-29.

Allele frequency attached by ClinVar (database versions not stated): ExAC 0.00001; gnomAD 0.00001; gnomAD exomes 0.00005.
gnomAD v4.1: 16 of 1,610,224 alleles (0.00099%); highest among the groups gnomAD compares: Admixed American, 0.027%; no homozygotes.

Submissions (2):

Ambry Genetics
Classification: Uncertain significance. Last evaluated: 2025-06-29. Review status: criteria provided, single submitter. Criteria: Ambry Variant Classification Scheme 2023. Collection method: clinical testing. Allele origin: germline.

Labcorp Genetics (formerly Invitae), Labcorp
Classification: Uncertain significance. Last evaluated: 2025-04-21. Review status: criteria provided, single submitter. Criteria: Invitae Variant Classification Sherloc (09022015). Collection method: clinical testing. Allele origin: germline.
Comment: This sequence change replaces leucine, which is neutral and non-polar, with phenylalanine, which is neutral and non-polar, at codon 1600 of the RIMS1 protein (p.Leu1600Phe). This variant is present in population databases (rs756721052, gnomAD 0.04%). This variant has not been reported in the literature in individuals affected with RIMS1-related conditions. ClinVar contains an entry for this variant (Variation ID: 1504589). An algorithm developed to predict the effect of missense changes on protein structure and function (PolyPhen-2) suggests that this variant is likely to be disruptive. In summary, the available evidence is currently insufficient to determine the role of this variant in disease. Therefore, it has been classified as a Variant of Uncertain Significance.